The following is an entry in ClinVar:

NM_207037.2(TCF12):c.881T>C (p.Met294Thr)

Gene: TCF12 (transcription factor 12; plus strand). Cytogenetic location: 15q21.3.
Variant type: single nucleotide variant.
Coding change: c.881T>C on transcript NM_207037.2 (MANE Select); coding-DNA position 881, T replaced by C.
Protein change: p.Met294Thr; replaces methionine 294 with threonine.
Molecular consequence: missense variant.
Genome position (GRCh38, 1-based): chr15:57,232,767, T>C. VCF-style: chr15-57232767-T-C. GRCh37 (hg19) VCF-style: chr15-57524965-T-C.
Other names: c.371T>C, p.Met124Thr (NM_001306219.3, NM_207040.2); c.173T>C, p.Met58Thr (NM_001306220.3); c.881T>C, p.Met294Thr (NM_001322151.2, NM_001322152.2, NM_001322157.3 and 7 more transcripts); c.224T>C, p.Met75Thr (NM_001322154.2); c.707T>C, p.Met236Thr (NM_001322156.2, NM_001322158.2); c.917T>C, p.Met306Thr (NM_001322164.2); short protein forms M58T, M124T, M236T, M294T, M306T, M75T.
Identifiers: ClinVar variation 5009400 (VCV005009400.1).

ClinVar aggregate classification (germline): Uncertain significance (1 of 4 stars; one submission).

gnomAD v4.1: 1 of 1,612,424 alleles (0.000062%); highest among the groups gnomAD compares: Non-Finnish European, 0.000085%; no homozygotes.

Submission:

GeneDx
Classification: Uncertain significance. Last evaluated: 2026-03-17. Review status: criteria provided, single submitter. Criteria: GeneDx Variant Classification Process June 2021. Collection method: clinical testing. Allele origin: germline.
Comment: Not observed at significant frequency in large population cohorts (gnomAD); In silico analysis supports that this missense variant has a deleterious effect on protein structure/function; Has not been previously published as pathogenic or benign to our knowledge